The following is an entry in ClinVar:

ClinVar aggregate classification (germline): Uncertain significance (1 of 4 stars; one submission).

Allele frequency attached by ClinVar (database versions not stated): gnomAD exomes below 0.00001.
gnomAD v4.1: 4 of 1,613,628 alleles (0.00025%); highest among the groups gnomAD compares: Non-Finnish European, 0.00034%; no homozygotes.

Submission:

Mayo Clinic Laboratories, Mayo Clinic
Classification: Uncertain significance. Last evaluated: 2023-01-12. Review status: criteria provided, single submitter. Criteria: ACMG Guidelines, 2015. Collection method: clinical testing. Allele origin: germline. Observed: 1 variant allele.
Comment: BP4

NM_213599.3(ANO5):c.2360C>T (p.Ala787Val)

Gene: ANO5 (anoctamin 5; plus strand). Cytogenetic location: 11p14.3.
Variant type: single nucleotide variant.
Coding change: c.2360C>T on transcript NM_213599.3 (MANE Select); coding-DNA position 2360, C replaced by T.
Protein change: p.Ala787Val; replaces alanine 787 with valine.
Molecular consequence: missense variant.
Genome position (GRCh38, 1-based): chr11:22,274,693, C>T. VCF-style: chr11-22274693-C-T. GRCh37 (hg19) VCF-style: chr11-22296239-C-T.
Other names: p.Ala787Val; c.2357C>T, p.Ala786Val (NM_001142649.2); c.2318C>T, p.Ala773Val (NM_001410963.1); c.2315C>T, p.Ala772Val (NM_001410964.1); short protein forms A772V, A773V, A786V, A787V.
Identifiers: ClinVar variation 2683143 (VCV002683143.1), dbSNP rs2494387041, ClinGen allele CA379924338.
Genomic context (GRCh38, chr11:22,274,693, plus strand): 5'-CAAATGCCACACAGCCTATGACAGGATATGTGAATAATAGCCTGTCAGTATTCCTGATAG[C>T]TGATTTTCCAAACCACACTGCACCTTCGGAAAAACGAGACTTCATCACTTGCAGGTGATT-3'
Protein context (NP_998764.1, residues 777-797): VNNSLSVFLI[Ala787Val]DFPNHTAPSE